The following is an entry in ClinVar:

NM_005633.4(SOS1):c.3160A>T (p.Thr1054Ser)

Gene: SOS1 (SOS Ras/Rac guanine nucleotide exchange factor 1; minus strand). Cytogenetic location: 2p22.1.
Variant type: single nucleotide variant.
Coding change: c.3160A>T on transcript NM_005633.4 (MANE Select); coding-DNA position 3160, A replaced by T.
Protein change: p.Thr1054Ser; replaces threonine 1054 with serine.
Molecular consequence: missense variant.
Genome position (GRCh38, 1-based): chr2:38,995,309, T>A on the plus strand (A>T on the coding strand, the complement: SOS1 is on the minus strand). VCF-style: chr2-38995309-T-A. GRCh37 (hg19) VCF-style: chr2-39222450-T-A.
Other names: c.3139A>T, p.Thr1047Ser (NM_001382394.1); c.3160A>T, p.Thr1054Ser (NM_001382395.1); short protein forms T1047S, T1054S.
Identifiers: ClinVar variation 2963238 (VCV002963238.3), dbSNP rs2528915390, ClinGen allele CA346361100.
Genomic context (GRCh38, chr2:38,995,309, plus strand): 5'-CTGTTTCACTTTCAGGGATCCTACTATAACTAATTTTCCTTGGCTCCTGCTGCAGAGGTG[T>A]GGGATGCCTCATGGTACCTGGTCTTGGGTTTGATGGACGAACACCAGGAGATTTTAGGGG-3'
Protein context (NP_005624.2, residues 1044-1064): NPRPGTMRHP[Thr1054Ser]PLQQEPRKIS

ClinVar aggregate classification (germline): Uncertain significance (1 of 4 stars; one submission).

Conditions:
RASopathy. Also called: Noonan spectrum disorder; rasopathies. Identifiers: Orphanet 536391, MedGen C5555857, MONDO:0021060.

Allele frequency attached by ClinVar (database versions not stated): gnomAD exomes below 0.00001.
gnomAD v4.1: 1 of 1,613,848 alleles (0.000062%); highest among the groups gnomAD compares: Non-Finnish European, 0.000085%; no homozygotes.

Submission:

Labcorp Genetics (formerly Invitae), Labcorp
Classification: Uncertain significance for RASopathy. Last evaluated: 2023-07-29. Review status: criteria provided, single submitter. Criteria: Invitae Variant Classification Sherloc (09022015). Collection method: clinical testing. Allele origin: germline.
Comment: In summary, the available evidence is currently insufficient to determine the role of this variant in disease. Therefore, it has been classified as a Variant of Uncertain Significance. Advanced modeling of protein sequence and biophysical properties (such as structural, functional, and spatial information, amino acid conservation, physicochemical variation, residue mobility, and thermodynamic stability) performed at Invitae indicates that this missense variant is not expected to disrupt SOS1 protein function. This variant has not been reported in the literature in individuals affected with SOS1-related conditions. This variant is not present in population databases (gnomAD no frequency). This sequence change replaces threonine, which is neutral and polar, with serine, which is neutral and polar, at codon 1054 of the SOS1 protein (p.Thr1054Ser).